The following is an entry in ClinVar:

ClinVar aggregate classification (germline): Uncertain significance (1 of 4 stars; one submission).

Submission:

Labcorp Genetics (formerly Invitae), Labcorp
Classification: Uncertain significance. Last evaluated: 2025-07-13. Review status: criteria provided, single submitter. Criteria: Invitae Variant Classification Sherloc (09022015). Collection method: clinical testing. Allele origin: germline.
Comment: This sequence change replaces glycine, which is neutral and non-polar, with cysteine, which is neutral and slightly polar, at codon 302 of the FGFR3 protein (p.Gly302Cys). This variant is not present in population databases (gnomAD no frequency). This variant has not been reported in the literature in individuals affected with FGFR3-related conditions. Invitae Evidence Modeling of protein sequence and biophysical properties (such as structural, functional, and spatial information, amino acid conservation, physicochemical variation, residue mobility, and thermodynamic stability) has been performed for this missense variant. However, the output from this modeling did not meet the statistical confidence thresholds required to predict the impact of this variant on FGFR3 protein function. In summary, the available evidence is currently insufficient to determine the role of this variant in disease. Therefore, it has been classified as a Variant of Uncertain Significance.

NM_000142.5(FGFR3):c.904G>T (p.Gly302Cys)

Gene: FGFR3 (fibroblast growth factor receptor 3; plus strand). Cytogenetic location: 4p16.3.
Variant type: single nucleotide variant.
Coding change: c.904G>T on transcript NM_000142.5 (MANE Select); coding-DNA position 904, G replaced by T.
Protein change: p.Gly302Cys; replaces glycine 302 with cysteine.
Molecular consequence: missense variant. On other transcripts: non-coding transcript variant (1).
Genome position (GRCh38, 1-based): chr4:1,801,999, G>T. VCF-style: chr4-1801999-G-T. GRCh37 (hg19) VCF-style: chr4-1803726-G-T.
Other names: c.904G>T, p.Gly302Cys (NM_001163213.2, NM_001354809.2, NM_001354810.2 and 1 more transcripts); short protein forms G302C.
Identifiers: ClinVar variation 4802675 (VCV004802675.1).